The following is an entry in ClinVar:

ClinVar aggregate classification (germline): Uncertain significance (1 of 4 stars; one submission).

Conditions:
Episodic kinesigenic dyskinesia (EKD). Also called: Paroxysmal kinesigenic dyskinesia. Identifiers: Orphanet 98809, MedGen C1868682, MONDO:0044202.

Submission:

Labcorp Genetics (formerly Invitae), Labcorp
Classification: Uncertain significance for Episodic kinesigenic dyskinesia. Last evaluated: 2023-07-09. Review status: criteria provided, single submitter. Criteria: Invitae Variant Classification Sherloc (09022015). Collection method: clinical testing. Allele origin: germline.
Comment: This sequence change replaces glycine, which is neutral and non-polar, with serine, which is neutral and polar, at codon 253 of the PRRT2 protein (p.Gly253Ser). This variant is not present in population databases (gnomAD no frequency). This variant has not been reported in the literature in individuals affected with PRRT2-related conditions. ClinVar contains an entry for this variant (Variation ID: 576850). Advanced modeling of protein sequence and biophysical properties (such as structural, functional, and spatial information, amino acid conservation, physicochemical variation, residue mobility, and thermodynamic stability) performed at Invitae indicates that this missense variant is not expected to disrupt PRRT2 protein function. In summary, the available evidence is currently insufficient to determine the role of this variant in disease. Therefore, it has been classified as a Variant of Uncertain Significance.

NM_145239.3(PRRT2):c.757G>A (p.Gly253Ser)

Genes: MVP-DT (MVP divergent transcript; minus strand), PRRT2 (proline rich transmembrane protein 2; plus strand). Cytogenetic location: 16p11.2.
Variant type: single nucleotide variant.
Coding change: c.757G>A on transcript NM_145239.3 (MANE Select); coding-DNA position 757, G replaced by A.
Protein change: p.Gly253Ser; replaces glycine 253 with serine.
Molecular consequence: missense variant.
Genome position (GRCh38, 1-based): chr16:29,813,811, G>A. VCF-style: chr16-29813811-G-A. GRCh37 (hg19) VCF-style: chr16-29825132-G-A.
Other names: c.757G>A, p.Gly253Ser (NM_001256442.2, NM_001256443.2); short protein forms G253S.
Identifiers: ClinVar variation 576850 (VCV000576850.9), dbSNP rs1567379996, ClinGen allele CA395479548.
Genomic context (GRCh38, chr16:29,813,811, plus strand): 5'-AGTGGGCATCCAGGATCTCCCCGAGGTAGCCTGAGCCGCCACCCCAGCTCCCAGTTGGCA[G>A]GTCCTGGGGTGGAGGGGGGTGAAGGCACCCAGAAACCTCGGGACTACATCATCCTTGCCA-3'
Protein context (NP_660282.2, residues 243-263): LSRHPSSQLA[Gly253Ser]PGVEGGEGTQ